The following is an entry in ClinVar:

ClinVar aggregate classification (germline): Benign. Review status: reviewed by expert panel (3 of 4 stars). 2 submissions from 2 submitters: Benign (1). 1 of the submissions does not count toward it. Last evaluated 2015-01-12.

Conditions:
Breast-ovarian cancer, familial, susceptibility to, 1 (BROVCA1). Also called: BRCA1 Hereditary Breast and Ovarian Cancer; OVARIAN CANCER, SUSCEPTIBILITY TO. Identifiers: Orphanet 145, MedGen C2676676, MONDO:0011450, OMIM 604370. Disease mechanism: loss of function.

Allele frequency attached by ClinVar (database versions not stated): gnomAD 0.03644 and 0.03923; 1000 Genomes Project 0.04213; TOPMed 0.04233; 1000 Genomes Project 30x 0.04482.
gnomAD v4.1: 5,463 of 151,004 alleles (3.6%); highest among the groups gnomAD compares: African/African-American, 12%; 329 homozygotes.

Submissions (2):

Evidence-based Network for the Interpretation of Germline Mutant Alleles (ENIGMA)
Classification: Benign for Breast-ovarian cancer, familial 1. Last evaluated: 2015-01-12. Review status: reviewed by expert panel. Criteria: ENIGMA BRCA1/2 Classification Criteria (2015). Collection method: curation. Allele origin: germline.
Comment: Class 1 not pathogenic based on frequency >1% in an outbred sampleset. Frequency 0.1504 (African), derived from 1000 genomes (2012-04-30).

Breakthrough Genomics
Classification: Benign. Review status: criteria provided, single submitter. Criteria: ACMG Guidelines, 2015. Collection method: not provided. Allele origin: germline. Inheritance: Autosomal recessive inheritance. Affected: yes. Not counted in ClinVar's aggregate classification.

NM_007294.4(BRCA1):c.4987-608G>T

Gene: BRCA1 (BRCA1 DNA repair associated; minus strand). Cytogenetic location: 17q21.31.
Variant type: single nucleotide variant.
Coding change: c.4987-608G>T on transcript NM_007294.4 (MANE Select); 608 bases into the intron before coding-DNA position 4987, G replaced by T.
Molecular consequence: intron variant.
Genome position (GRCh38, 1-based): chr17:43,068,303, C>A on the plus strand (G>T on the coding strand, the complement: BRCA1 is on the minus strand). VCF-style: chr17-43068303-C-A. GRCh37 (hg19) VCF-style: chr17-41220320-C-A.
Other names: IVS 16-608G>T; c.1414-608G>T (NM_001408496.1, NM_001408499.1, NM_001408498.1 and 3 more transcripts); c.4720-608G>T (NM_001407929.1, NM_001407930.1, NM_001407933.1 and 4 more transcripts); c.4723-608G>T (NM_001407924.1, NM_001407920.1, NM_001407923.1 and 4 more transcripts); c.1534-608G>T (NM_001408460.1, NM_001408465.1, NM_001408463.1 and 7 more transcripts); c.1537-608G>T (NM_001408454.1, NM_001408456.1, NM_001408453.1 and 3 more transcripts); c.4840-608G>T (NM_001407852.1, NM_001407853.1, NM_001407843.1 and 12 more transcripts); c.4843-608G>T (NM_001407750.1, NM_001407732.1, NM_001407733.1 and 21 more transcripts); and 72 more.
Identifiers: ClinVar variation 209352 (VCV000209352.3), dbSNP rs8176228, ClinGen allele CA276324.